The following is an entry in ClinVar:

NM_004839.4(HOMER2):c.388-8_388-3del

Gene: HOMER2 (homer scaffold protein 2; minus strand). Cytogenetic location: 15q25.2.
Variant type: Deletion.
Coding change: c.388-8_388-3del on transcript NM_004839.4 (MANE Select); 8 bases into the intron before coding-DNA position 388 through 3 bases into the intron before coding-DNA position 388, 6 bases deleted (CTACTC; older notation c.388-8_388-3delCTACTC).
Molecular consequence: intron variant. On other transcripts: nonsense (1).
Genome position (GRCh38, 1-based): chr15:82,859,138-82,859,143, GAGTAG deleted on the plus strand (CTACTC on the coding strand, the reverse complement: HOMER2 is on the minus strand). VCF-style (leftmost placement, unchanged base first): chr15-82859137-TGAGTAG-T. GRCh37 (hg19) VCF-style: chr15-83527889-TGAGTAG-T.
Other names: c.413_418del, p.Ser138_Gln140delinsTer (NM_199330.3).
Identifiers: ClinVar variation 1349521 (VCV001349521.8), dbSNP rs2151621734, ClinGen allele CA2573151199.

ClinVar aggregate classification (germline): Uncertain significance (1 of 4 stars; one submission).

Submission:

Labcorp Genetics (formerly Invitae), Labcorp
Classification: Uncertain significance. Last evaluated: 2023-08-24. Review status: criteria provided, single submitter. Criteria: Invitae Variant Classification Sherloc (09022015). Collection method: clinical testing. Allele origin: germline.
Comment: In summary, the available evidence is currently insufficient to determine the role of this variant in disease. Therefore, it has been classified as a Variant of Uncertain Significance. Variants that disrupt the consensus splice site are a relatively common cause of aberrant splicing (PMID: 17576681, 9536098). Algorithms developed to predict the effect of sequence changes on RNA splicing suggest that this variant may disrupt the consensus splice site. ClinVar contains an entry for this variant (Variation ID: 1349521). This variant has been observed in individual(s) with hearing loss (Invitae). This variant is not present in population databases (gnomAD no frequency). This sequence change falls in intron 4 of the HOMER2 gene. It does not directly change the encoded amino acid sequence of the HOMER2 protein. It affects a nucleotide within the consensus splice site.

Literature cited by the submitters: PubMed 17576681; PubMed 9536098.